The following is an entry in ClinVar:

NM_002528.7(NTHL1):c.521G>A (p.Trp174Ter)

Gene: NTHL1 (nth like DNA glycosylase 1; minus strand). Cytogenetic location: 16p13.3.
Variant type: single nucleotide variant.
Coding change: c.521G>A on transcript NM_002528.7 (MANE Select); coding-DNA position 521, G replaced by A.
Protein change: p.Trp174Ter; replaces tryptophan 174 with a stop codon.
Molecular consequence: nonsense. On other transcripts: intron variant (1).
Genome position (GRCh38, 1-based): chr16:2,044,634, C>T on the plus strand (G>A on the coding strand, the complement: NTHL1 is on the minus strand). VCF-style: chr16-2044634-C-T. GRCh37 (hg19) VCF-style: chr16-2094635-C-T.
Other names: c.545G>A (NM_002528.5); c.191G>A, p.Trp64Ter (NM_001318194.2); c.355-908G>A (NM_001318193.2); short protein forms W64*, W174*.
Identifiers: ClinVar variation 2169584 (VCV002169584.9), dbSNP rs1192158230, ClinGen allele CA394294080.

ClinVar aggregate classification (germline): Pathogenic/Likely pathogenic. Review status: criteria provided, multiple submitters, no conflicts (2 of 4 stars). 5 submissions from 5 submitters: Pathogenic (4); Likely pathogenic (1). Last evaluated 2024-12-23.

Conditions:
Familial adenomatous polyposis 3. Also called: NTHL1-Related Adenomatous Polyposis and Colorectal Cancer; NTHL1-related attenuated familial adenomatous polyposis; NTHL1 Tumor Syndrome; NTHL1-associated polyposis. Identifiers: Orphanet 220460, Orphanet 454840, MedGen C4225157, MONDO:0014630, OMIM 616415.
Hereditary cancer-predisposing syndrome. Also called: Neoplastic Syndromes, Hereditary; Hereditary Cancer Syndrome; Hereditary neoplastic syndrome; Tumor predisposition. Identifiers: Orphanet 140162, MedGen C0027672, MeSH D009386, MONDO:0015356.

Allele frequency attached by ClinVar (database versions not stated): gnomAD exomes below 0.00001.

Submissions (5):

Ambry Genetics
Classification: Pathogenic for Hereditary cancer-predisposing syndrome. Last evaluated: 2024-12-23. Review status: criteria provided, single submitter. Criteria: Ambry Variant Classification Scheme 2023. Collection method: clinical testing. Allele origin: germline.
Comment: The p.W182* pathogenic mutation (also known as c.545G>A), located in coding exon 3 of the NTHL1 gene, results from a G to A substitution at nucleotide position 545. This changes the amino acid from a tryptophan to a stop codon within coding exon 3. This variant is considered to be rare based on population cohorts in the Genome Aggregation Database (gnomAD). This alteration is expected to result in loss of function by premature protein truncation or nonsense-mediated mRNA decay. As such, this alteration is interpreted as a disease-causing mutation.

Labcorp Genetics (formerly Invitae), Labcorp
Classification: Pathogenic. Last evaluated: 2024-04-29. Review status: criteria provided, single submitter. Criteria: Invitae Variant Classification Sherloc (09022015). Collection method: clinical testing. Allele origin: germline.
Comment: This sequence change creates a premature translational stop signal (p.Trp182*) in the NTHL1 gene. It is expected to result in an absent or disrupted protein product. Loss-of-function variants in NTHL1 are known to be pathogenic (PMID: 25938944, 26559593). This variant is not present in population databases (gnomAD no frequency). This premature translational stop signal has been observed in individual(s) with head and neck squamous cell carcinoma, cervical cancer, and/or brain tumor, who have not undergone colonoscopy (PMID: 30753826). ClinVar contains an entry for this variant (Variation ID: 2169584). For these reasons, this variant has been classified as Pathogenic.

Myriad Genetics, Inc.
Classification: Pathogenic for Familial adenomatous polyposis 3. Last evaluated: 2024-01-17. Review status: criteria provided, single submitter. Criteria: Myriad Autosomal Dominant, Autosomal Recessive and X-Linked Classification Criteria (2023). Collection method: clinical testing. Allele origin: unknown.
Comment: This variant is considered pathogenic. This variant creates a termination codon and is predicted to result in premature protein truncation.

GeneDx
Classification: Likely pathogenic. Last evaluated: 2023-11-16. Review status: criteria provided, single submitter. Criteria: GeneDx Variant Classification Process June 2021. Collection method: clinical testing. Allele origin: germline. Affected: yes.
Comment: Nonsense variant predicted to result in protein truncation or nonsense mediated decay in a gene for which loss of function is a known mechanism of disease; Variant observed in the homozygous state in several members of a consanguineous family suspected to have Fanconi Anemia; family history included head and neck squamous cell carcinoma, myelodysplastic syndrome, brain tumor, and cervical cancer (PMID: 30753826); Not observed at significant frequency in large population cohorts (gnomAD); This variant is associated with the following publications: (PMID: 34363023, 31243857, 30753826)

Baylor Genetics
Classification: Pathogenic for Familial adenomatous polyposis 3. Last evaluated: 2023-06-26. Review status: criteria provided, single submitter. Criteria: ACMG Guidelines, 2015. Collection method: clinical testing. Allele origin: unknown.

Literature cited by the submitters: PubMed 25938944 (cited by Labcorp Genetics (formerly Invitae), Labcorp); PubMed 26559593 (cited by Labcorp Genetics (formerly Invitae), Labcorp); PubMed 30753826 (cited by Labcorp Genetics (formerly Invitae), Labcorp).